The following is an entry in ClinVar:

ClinVar aggregate classification (germline): Likely benign. Review status: criteria provided, single submitter (1 of 4 stars). 2 submissions from 2 submitters: Likely benign (1). 1 of the submissions does not count toward it. Last evaluated 2026-05-01.

Conditions:
RFX7-related disorder. Also called: RFX7-related condition.

Allele frequency attached by ClinVar (database versions not stated): ExAC 0.00021; gnomAD 0.00023; TOPMed 0.00024; gnomAD exomes 0.00040; ESP Exome Variant Server 0.00050; 1000 Genomes Project 30x 0.00078; 1000 Genomes Project 0.00080.
gnomAD v4.1: 622 of 1,613,832 alleles (0.039%); highest among the groups gnomAD compares: Admixed American, 0.073%; 1 homozygote.

Submissions (2):

CeGaT Center for Human Genetics Tuebingen
Classification: Likely benign. Last evaluated: 2026-05-01. Review status: criteria provided, single submitter. Criteria: CeGaT Center For Human Genetics Tuebingen Variant Classification Criteria Version 2. Collection method: clinical testing. Allele origin: germline. Affected: yes. Observed: 1 variant allele.
Comment: RFX7: BP4, BP7

PreventionGenetics, part of Exact Sciences
Classification: Likely benign for RFX7-related condition. Last evaluated: 2023-06-02. Review status: no assertion criteria provided. Collection method: clinical testing. Allele origin: germline. Not counted in ClinVar's aggregate classification.
Comment: This variant is classified as likely benign based on ACMG/AMP sequence variant interpretation guidelines (Richards et al. 2015 PMID: 25741868, with internal and published modifications).

NM_022841.7(RFX7):c.2352A>G (p.Gln784=)

Gene: RFX7 (regulatory factor X7; minus strand). Cytogenetic location: 15q21.3.
Variant type: single nucleotide variant.
Coding change: c.2352A>G on transcript NM_022841.7 (MANE Select); coding-DNA position 2352, A replaced by G.
Protein change: p.Gln784=; no amino-acid change (glutamine 784 retained).
Molecular consequence: synonymous variant.
Genome position (GRCh38, 1-based): chr15:56,095,376, T>C on the plus strand (A>G on the coding strand, the complement: RFX7 is on the minus strand). VCF-style: chr15-56095376-T-C. GRCh37 (hg19) VCF-style: chr15-56387574-T-C.
Other names: c.2061A>G, p.Gln687= (NM_001368073.2, NM_001368074.1, NM_001370554.1); c.2352A>G, p.Gln784= (NM_001370561.1).
Identifiers: ClinVar variation 3055100 (VCV003055100.4), dbSNP rs186814591, ClinGen allele CA7578149.